The following is an entry in ClinVar:

ClinVar aggregate classification (germline): Uncertain significance (1 of 4 stars; one submission).

Conditions:
Severe myoclonic epilepsy in infancy (DRVT). Also called: Dravet syndrome; Epileptic encephalopathy, early infantile, 6 (Dravet syndrome); Severe Myoclonic Epilepsy in Infancy (SMEI); SEVERE MYOCLONIC EPILEPSY OF INFANCY; DEVELOPMENTAL AND EPILEPTIC ENCEPHALOPATHY 6A. Identifiers: Orphanet 33069, MedGen C0751122, MONDO:0100135, OMIM 607208.

Submission:

Institute of Human Genetics, University of Leipzig Medical Center
Classification: Uncertain significance for Severe myoclonic epilepsy in infancy. Last evaluated: 2021-11-24. Review status: criteria provided, single submitter. Criteria: ACMG Guidelines, 2015. Collection method: clinical testing. Allele origin: de novo. Affected: yes.
Comment: This variant was identified as de novo (maternity and paternity confirmed)._x000D_ Criteria applied: PS2_MOD, PM2_SUP, PP3

NM_001165963.4(SCN1A):c.4338+5G>C

Genes: SCN1A (sodium voltage-gated channel alpha subunit 1; minus strand), LOC102724058 (uncharacterized LOC102724058; plus strand). Cytogenetic location: 2q24.3.
Variant type: single nucleotide variant.
Coding change: c.4338+5G>C on transcript NM_001165963.4 (MANE Select); 5 bases into the intron after coding-DNA position 4338, G replaced by C.
Molecular consequence: intron variant.
Genome position (GRCh38, 1-based): chr2:165,999,718, C>G on the plus strand (G>C on the coding strand, the complement: SCN1A is on the minus strand). VCF-style: chr2-165999718-C-G. GRCh37 (hg19) VCF-style: chr2-166856228-C-G.
Other names: c.4305+5G>C (NM_001353949.2, NM_001353950.2, NM_001353951.2 and 2 more transcripts); c.4254+5G>C (NM_001353958.2, NM_001353957.2, NM_001165964.3); c.4338+5G>C (NM_001202435.3, NM_001353948.2); c.4302+5G>C (NM_001353955.2, NM_001353954.2); c.4251+5G>C (NM_001353960.2); c.1896+5G>C (NM_001353961.2).
Identifiers: ClinVar variation 1329953 (VCV001329953.1), dbSNP rs796053011, ClinGen allele CA2573051699.